The following is an entry in ClinVar:

NC_000001.10:g.(?_147230260)_(147245383_?)del

Gene: GJA5 (gap junction protein alpha 5; minus strand). Cytogenetic location: 1q21.2.
Variant type: Deletion.
Identifiers: ClinVar variation 659591 (VCV000659591.2).

ClinVar aggregate classification (germline): Uncertain significance (1 of 4 stars; one submission).

Conditions:
Atrial standstill 1 (ATRST1). Also called: Atrial standstill, digenic (GJA5/SCN5A); ATRIAL CARDIOMYOPATHY WITH HEART BLOCK; CARDIOMYOPATHY, FAMILIAL, WITH CONDUCTION DISTURBANCE. Identifiers: Orphanet 1344, MedGen C4551959, MONDO:0007171, OMIM 108770.
Atrial fibrillation, familial, 11 (ATFB11). Identifiers: MedGen C3279693, MONDO:0013544, OMIM 614049.

Submission:

Labcorp Genetics (formerly Invitae), Labcorp
Classification: Uncertain significance for Atrial fibrillation, familial, 11; Cardiomyopathy, Familial, with Conduction Disturbance. Last evaluated: 2019-12-19. Review status: criteria provided, single submitter. Criteria: Invitae Variant Classification Sherloc (09022015). Collection method: clinical testing. Allele origin: germline.
Comment: A gross deletion of the genomic region encompassing the full coding sequence of the GJA5 gene has been identified. The boundaries of this event are unknown as the deletion extends beyond the assayed region for this gene and therefore may encompass additional genes. Isolated whole-gene deletions of GJA5 have not been reported in the literature. However, larger copy number events that include this gene have been reported (PMID: 26137477, 22199024). The current clinical and genetic evidence is not sufficient to establish whether loss-of-function variants in GJA5 cause disease. In summary, the available evidence is currently insufficient to determine the role of this variant in disease. Therefore, it has been classified as a Variant of Uncertain Significance.

Literature cited by the submitters: PubMed 22199024; PubMed 26137477.